The following is an entry in ClinVar:

NM_001136191.3(KANK2):c.1274C>T (p.Ser425Leu)

Gene: KANK2 (KN motif and ankyrin repeat domains 2; minus strand). Cytogenetic location: 19p13.2.
Variant type: single nucleotide variant.
Coding change: c.1274C>T on transcript NM_001136191.3 (MANE Select); coding-DNA position 1274, C replaced by T.
Protein change: p.Ser425Leu; replaces serine 425 with leucine.
Molecular consequence: missense variant.
Genome position (GRCh38, 1-based): chr19:11,178,696, G>A on the plus strand (C>T on the coding strand, the complement: KANK2 is on the minus strand). VCF-style: chr19-11178696-G-A. GRCh37 (hg19) VCF-style: chr19-11289372-G-A.
Other names: c.1274C>T (NM_015493.6); c.1274C>T, p.Ser425Leu (NM_001329451.2, NM_001379548.1, NM_001379549.1 and 15 more transcripts); short protein forms S425L.
Identifiers: ClinVar variation 2137800 (VCV002137800.6), dbSNP rs143873045, ClinGen allele CA9205745.

ClinVar aggregate classification (germline): Likely benign. Review status: criteria provided, single submitter (1 of 4 stars). 2 submissions from 2 submitters: Likely benign (1). 1 of the submissions does not count toward it. Last evaluated 2025-10-29.

Conditions:
KANK2-related disorder. Also called: KANK2-related condition.

Allele frequency attached by ClinVar (database versions not stated): ExAC 0.00047; 1000 Genomes Project 30x 0.00078; 1000 Genomes Project 0.00080; ESP Exome Variant Server 0.00177; TOPMed 0.00178.
gnomAD v4.1: 420 of 1,537,442 alleles (0.027%); highest among the groups gnomAD compares: African/African-American, 0.49%; 2 homozygotes.

Submissions (2):

Labcorp Genetics (formerly Invitae), Labcorp
Classification: Likely benign. Last evaluated: 2025-10-29. Review status: criteria provided, single submitter. Criteria: Invitae Variant Classification Sherloc (09022015). Collection method: clinical testing. Allele origin: germline.

PreventionGenetics, part of Exact Sciences
Classification: Likely benign for KANK2-related condition. Last evaluated: 2022-12-19. Review status: no assertion criteria provided. Collection method: clinical testing. Allele origin: germline. Not counted in ClinVar's aggregate classification.
Comment: This variant is classified as likely benign based on ACMG/AMP sequence variant interpretation guidelines (Richards et al. 2015 PMID: 25741868, with internal and published modifications).